The following is an entry in ClinVar:

NM_000535.7(PMS2):c.251-2A>C

Gene: PMS2 (PMS1 homolog 2, mismatch repair system component; minus strand). Cytogenetic location: 7p22.1.
Variant type: single nucleotide variant.
Coding change: c.251-2A>C on transcript NM_000535.7 (MANE Select); the canonical splice acceptor site of the intron before coding-DNA position 251, A replaced by C.
Molecular consequence: splice acceptor variant. On other transcripts: synonymous variant (1), intron variant (11).
Genome position (GRCh38, 1-based): chr7:6,003,794, T>G on the plus strand (A>C on the coding strand, the complement: PMS2 is on the minus strand). VCF-style: chr7-6003794-T-G. GRCh37 (hg19) VCF-style: chr7-6043425-T-G.
Other names: c.273A>C, p.Ser91= (NM_001406868.1); c.35+178A>C (NM_001322008.2, NM_001406902.1, NM_001406883.1 and 4 more transcripts); c.-132+178A>C (NM_001406881.1, NM_001406900.1); c.-102-2A>C (NM_001406895.1, NM_001406904.1, NM_001406889.1 and 6 more transcripts); c.-155-2A>C (NM_001406911.1, NM_001322010.2, NM_001322004.2 and 13 more transcripts); c.-234-2A>C (NM_001406879.1, NM_001322015.2, NM_001406878.1 and 3 more transcripts); c.-634-2A>C (NM_001322012.2, NM_001322011.2); c.-52-1158A>C (NM_001406896.1); and 5 more.
Identifiers: ClinVar variation 233781 (VCV000233781.31), dbSNP rs587779340, ClinGen allele CA10578724.

ClinVar aggregate classification (germline): Pathogenic/Likely pathogenic. Review status: criteria provided, multiple submitters, no conflicts (2 of 4 stars). 10 submissions from 10 submitters: Pathogenic (5); Likely pathogenic (3). 2 of the submissions do not count toward it. Last evaluated 2024-08-23.

Conditions:
Polyp of colon. Also called: Colon polyps. Identifiers: MedGen C0009376, MONDO:0021400.
Hereditary nonpolyposis colon cancer (HNPCC). Also called: Hereditary nonpolyposis colorectal cancer; Familial nonpolyposis colon cancer; Hereditary Nonpolyposis Colorectal Cancer Syndrome. Identifiers: Orphanet 443909, MedGen C1333990, MONDO:0018630. Disease mechanism: loss of function.
Hereditary nonpolyposis colorectal neoplasms. Identifiers: MedGen C0009405, MeSH D003123.
Hereditary cancer-predisposing syndrome. Also called: Neoplastic Syndromes, Hereditary; Tumor predisposition; Hereditary Cancer Syndrome; Hereditary neoplastic syndrome. Identifiers: Orphanet 140162, MedGen C0027672, MeSH D009386, MONDO:0015356.
Lynch syndrome. Identifiers: Orphanet 144, MedGen C4552100, MONDO:0005835. Disease mechanism: loss of function.
Lynch syndrome 4 (LYNCH4). Also called: Colorectal cancer, hereditary nonpolyposis, type 4; Hereditary non-polyposis colorectal cancer, type 4. Identifiers: Orphanet 144, MedGen C1838333, MONDO:0013699, OMIM 614337. Disease mechanism: loss of function.

Submissions (10):

All of Us Research Program, National Institutes of Health
Classification: Pathogenic for Lynch syndrome. Last evaluated: 2024-08-23. Review status: criteria provided, single submitter. Criteria: ACMG Guidelines, 2015. Collection method: clinical testing. Allele origin: germline. Inheritance: Autosomal dominant inheritance. Observed: 2 variant alleles, 2 heterozygotes.
Comment: This variant causes an A to C nucleotide substitution at the -2 position of intron 3 of the PMS2 gene. Splice site prediction tools predict that this variant may have a significant impact on RNA splicing. Although this prediction has not been confirmed in published RNA studies, this variant is likely to cause out-of-frame skipping of exon 4 and expected to result in an absent or disrupted protein product. This variant has been observed in individuals affected with Lynch syndrome (PMID: 19132747, 27435373, 32510614; ClinVar SCV002235355.2). Another variant at this position (c.251-2A>C) has been observed in compound heterozygous state with a known pathogenic PMS2 variant (c.1A>G) in a family affected with autosomal recessive constitutional mismatch repair deficiency syndrome (PMID: 18602922). This variant has not been identified in the general population by the Genome Aggregation Database (gnomAD). Loss of PMS2 function is a known mechanism of disease. Based on the available evidence, this variant is classified as Pathogenic.

This study involves interpretation of variants in research participants for the purpose of population health screening. Participant phenotype was not available at the time of variant classification. Additional details can be found in publication PMID: 35346344, PMCID: PMC8962531

Labcorp Genetics (formerly Invitae), Labcorp
Classification: Pathogenic for Hereditary nonpolyposis colorectal neoplasms. Last evaluated: 2024-02-25. Review status: criteria provided, single submitter. Criteria: Invitae Variant Classification Sherloc (09022015). Collection method: clinical testing. Allele origin: germline.
Comment: This sequence change affects an acceptor splice site in intron 3 of the PMS2 gene. RNA analysis indicates that disruption of this splice site induces altered splicing and may result in an absent or disrupted protein product. This variant is not present in population databases (gnomAD no frequency). Disruption of this splice site has been observed in individuals with Lynch syndrome (PMID: 18602922, 19132747, 27435373; Invitae). ClinVar contains an entry for this variant (Variation ID: 233781). Studies have shown that disruption of this splice site results in skipping of exon 4 and introduces a premature termination codon (Invitae). The resulting mRNA is expected to undergo nonsense-mediated decay. For these reasons, this variant has been classified as Pathogenic.

Color Diagnostics, LLC DBA Color Health
Classification: Pathogenic for Hereditary cancer-predisposing syndrome. Last evaluated: 2024-02-01. Review status: criteria provided, single submitter. Criteria: ACMG Guidelines, 2015. Collection method: clinical testing. Allele origin: germline.
Comment: This variant causes an A to C nucleotide substitution at the -2 position of intron 3 of the PMS2 gene. Splice site prediction tools predict that this variant may have a significant impact on RNA splicing. Although this prediction has not been confirmed in published RNA studies, this variant is likely to cause out-of-frame skipping of exon 4 and expected to result in an absent or disrupted protein product. This variant has been observed in individuals affected with Lynch syndrome (PMID: 19132747, 27435373, 32510614; ClinVar SCV002235355.2). Another variant at this position (c.251-2A>C) has been observed in compound heterozygous state with a known pathogenic PMS2 variant (c.1A>G) in a family affected with autosomal recessive constitutional mismatch repair deficiency syndrome (PMID: 18602922). This variant has not been identified in the general population by the Genome Aggregation Database (gnomAD). Loss of PMS2 function is a known mechanism of disease. Based on the available evidence, this variant is classified as Pathogenic.

Myriad Genetics, Inc.
Classification: Likely pathogenic for Lynch syndrome 4. Last evaluated: 2023-09-18. Review status: criteria provided, single submitter. Criteria: Myriad Autosomal Dominant, Autosomal Recessive and X-Linked Classification Criteria (2023). Collection method: clinical testing. Allele origin: unknown.
Comment: This variant is considered likely pathogenic. This variant occurs within a consensus splice junction and is predicted to result in abnormal mRNA splicing of either an out-of-frame exon or an in-frame exon necessary for protein stability and/or normal function.

Ambry Genetics
Classification: Pathogenic for Hereditary cancer-predisposing syndrome. Last evaluated: 2023-02-06. Review status: criteria provided, single submitter. Criteria: Ambry Variant Classification Scheme 2023. Collection method: clinical testing. Allele origin: germline.
Comment: The c.251-2A>C intronic pathogenic mutation results from an A to C substitution two nucleotides upstream from coding exon 4 in the PMS2 gene. This mutation has been detected in several individuals with early-onset colorectal cancer; in one individual, the tumor showed high microsatellite instability (MSI-H) and isolated loss of PMS2 protein expression on IHC (Niessen RC et al. Genes Chromosomes Cancer. 2009 Apr;48:322-9; ten Broeke SW et al. J. Clin. Oncol. 2015 Feb;33:319-25). In addition, two other alterations at this position (c.251-2A>G and c.251-2A>T) have been reported as pathogenic in HNPCC and CMMR-D cohorts (Senter L et al. Gastroenterology. 2008 Aug;135:419-28; Herkert JC et al. Eur. J. Cancer. 2011 May;47:965-82; Yurgelun MB et al. Gastroenterology. 2015 Sep;149:604-13.e20). In silico splice site analysis predicts that this alteration will weaken the native splice acceptor site. RNA studies have demonstrated that this alteration results in abnormal splicing in the set of samples tested (Ambry internal data). This variant is considered to be rare based on population cohorts in the Genome Aggregation Database (gnomAD). In addition to the clinical data presented in the literature, alterations that disrupt the canonical splice site are expected to cause aberrant splicing, resulting in an abnormal protein or a transcript that is subject to nonsense-mediated mRNA decay. As such, this alteration is classified as pathogenic.

Revvity Omics, Revvity
Classification: Likely pathogenic. Last evaluated: 2021-12-30. Review status: criteria provided, single submitter. Criteria: ACMG Guidelines, 2015. Collection method: clinical testing. Allele origin: germline.

GeneDx
Classification: Pathogenic. Last evaluated: 2021-03-17. Review status: criteria provided, single submitter. Criteria: GeneDx Variant Classification Process June 2021. Collection method: clinical testing. Allele origin: germline. Affected: yes.
Comment: Canonical splice site variant predicted to result in a null allele in a gene for which loss-of-function is a known mechanism of disease; Not observed in large population cohorts (Lek et al., 2016); This variant is associated with the following publications: (PMID: 32719484, 19132747, 25525159)

CSER _CC_NCGL, University of Washington
Classification: Likely pathogenic for Colon polyps. Last evaluated: 2016-06-01. Review status: criteria provided, single submitter. Criteria: Amendola et al. (Genome Res. 2015). Collection method: research. Allele origin: germline. Affected: yes. Study: CSER - NEXT Medicine variant annotation.
Comment: This interpretation considers GERP score and allele frequency data, in addition to published reports of the variant in the literature, available at the time of review.

Diagnostic Laboratory, Department of Genetics, University Medical Center Groningen
Classification: Pathogenic. Review status: no assertion criteria provided. Collection method: clinical testing. Allele origin: germline. Affected: yes. Study: VKGL Data-share Consensus. Not counted in ClinVar's aggregate classification.

Joint Genome Diagnostic Labs from Nijmegen and Maastricht, Radboudumc and MUMC+
Classification: Pathogenic. Review status: no assertion criteria provided. Collection method: clinical testing. Allele origin: germline. Affected: yes. Study: VKGL Data-share Consensus. Not counted in ClinVar's aggregate classification.

Literature cited by the submitters: PubMed 18602922 (cited by 3 submitters); PubMed 19132747 (cited by 3 submitters); PubMed 27435373 (cited by 3 submitters); PubMed 32510614 (cited by All of Us Research Program, National Institutes of Health and Color Diagnostics, LLC DBA Color Health); PubMed 21376568 (cited by Ambry Genetics); PubMed 25980754 (cited by Ambry Genetics).